The following is an entry in ClinVar:

NM_003000.3(SDHB):c.818A>G (p.Tyr273Cys)

Gene: SDHB (succinate dehydrogenase complex iron sulfur subunit B; minus strand). Cytogenetic location: 1p36.13.
Variant type: single nucleotide variant.
Coding change: c.818A>G on transcript NM_003000.3 (MANE Select); coding-DNA position 818, A replaced by G.
Protein change: p.Tyr273Cys; replaces tyrosine 273 with cysteine.
Molecular consequence: missense variant.
Genome position (GRCh38, 1-based): chr1:17,018,906, T>C on the plus strand (A>G on the coding strand, the complement: SDHB is on the minus strand). VCF-style: chr1-17018906-T-C. GRCh37 (hg19) VCF-style: chr1-17345401-T-C.
Other names: c.764A>G, p.Tyr255Cys (NM_001407361.1); short protein forms Y255C, Y273C.
Identifiers: ClinVar variation 3075087 (VCV003075087.2), dbSNP rs773523792, ClinGen allele CA089773.

ClinVar aggregate classification (germline): Uncertain significance. Review status: criteria provided, multiple submitters, no conflicts (2 of 4 stars). 2 submissions from 2 submitters: Uncertain significance (2). Last evaluated 2024-07-24.

Conditions:
Hereditary cancer-predisposing syndrome. Also called: Hereditary neoplastic syndrome; Neoplastic Syndromes, Hereditary; Tumor predisposition; Hereditary Cancer Syndrome. Identifiers: Orphanet 140162, MedGen C0027672, MeSH D009386, MONDO:0015356.
Hereditary pheochromocytoma and paraganglioma. Also called: Hereditary pheochromocytoma-paraganglioma; Hereditary Paraganglioma-Pheochromocytoma Syndromes; Hereditary paragangliomas and pheochromocytomas. Identifiers: Orphanet 29072, MedGen C4274332, MONDO:0017366.

Allele frequency attached by ClinVar (database versions not stated): ExAC 0.00001.
gnomAD v4.1: 1 of 1,612,974 alleles (0.000062%); highest among the groups gnomAD compares: South Asian, 0.0011%; no homozygotes.

Submissions (2):

Ambry Genetics
Classification: Uncertain significance for Hereditary cancer-predisposing syndrome. Last evaluated: 2024-07-24. Review status: criteria provided, single submitter. Criteria: Ambry Variant Classification Scheme 2023. Collection method: clinical testing. Allele origin: germline.
Comment: The p.Y273C variant (also known as c.818A>G), located in coding exon 8 of the SDHB gene, results from an A to G substitution at nucleotide position 818. The tyrosine at codon 273 is replaced by cysteine, an amino acid with highly dissimilar properties. This amino acid position is highly conserved in available vertebrate species. In addition, this alteration is predicted to be deleterious by in silico analysis. Based on the available evidence, the clinical significance of this variant remains unclear.

All of Us Research Program, National Institutes of Health
Classification: Uncertain significance for Hereditary pheochromocytoma and paraganglioma. Last evaluated: 2023-12-18. Review status: criteria provided, single submitter. Criteria: ACMG Guidelines, 2015. Collection method: clinical testing. Allele origin: germline. Inheritance: Autosomal dominant inheritance. Observed: 1 variant allele, 1 heterozygote.
Comment: This missense variant replaces tyrosine with cysteine at codon 273 of the SDHB protein. Computational prediction suggests that this variant may have deleterious impact on protein structure and function (internally defined REVEL score threshold >= 0.7, PMID: 27666373). To our knowledge, functional studies have not been reported for this variant. This variant has not been reported in individuals affected with SDHB-related disorders in the literature. This variant has been identified in 1/251352 chromosomes in the general population by the Genome Aggregation Database (gnomAD). The available evidence is insufficient to determine the role of this variant in disease conclusively. Therefore, this variant is classified as a Variant of Uncertain Significance.

This study involves interpretation of variants in research participants for the purpose of population health screening. Participant phenotype was not available at the time of variant classification. Additional details can be found in publication PMID: 35346344, PMCID: PMC8962531